The following is an entry in ClinVar:

ClinVar aggregate classification (germline): Uncertain significance. Review status: criteria provided, multiple submitters, no conflicts (2 of 4 stars). 2 submissions from 2 submitters: Uncertain significance (2). Last evaluated 2025-07-16.

Conditions:
Inborn genetic diseases. Identifiers: MedGen C0950123, MeSH D030342.

gnomAD v4.1: 2 of 1,597,198 alleles (0.00013%); highest among the groups gnomAD compares: African/African-American, 0.0013%; no homozygotes.

Submissions (2):

GeneDx
Classification: Uncertain significance. Last evaluated: 2025-07-16. Review status: criteria provided, single submitter. Criteria: GeneDx Variant Classification Process June 2021. Collection method: clinical testing. Allele origin: germline.
Comment: Not observed at significant frequency in large population cohorts (gnomAD); In silico analysis suggests that this missense variant does not alter protein structure/function; Has not been previously published as pathogenic or benign to our knowledge

Ambry Genetics
Classification: Uncertain significance for Inborn genetic diseases. Last evaluated: 2025-05-07. Review status: criteria provided, single submitter. Criteria: Ambry Variant Classification Scheme 2023. Collection method: clinical testing. Allele origin: germline.

NM_001365999.1(SZT2):c.2149G>A (p.Gly717Ser)

Gene: SZT2 (SZT2 subunit of KICSTOR complex; plus strand). Cytogenetic location: 1p34.2.
Variant type: single nucleotide variant.
Coding change: c.2149G>A on transcript NM_001365999.1 (MANE Select); coding-DNA position 2149, G replaced by A.
Protein change: p.Gly717Ser; replaces glycine 717 with serine.
Molecular consequence: missense variant.
Genome position (GRCh38, 1-based): chr1:43,423,210, G>A. VCF-style: chr1-43423210-G-A. GRCh37 (hg19) VCF-style: chr1-43888881-G-A.
Other names: c.2149G>A, p.Gly717Ser (NM_015284.4); short protein forms G717S.
Identifiers: ClinVar variation 3390441 (VCV003390441.3).